The following is an entry in ClinVar:

ClinVar aggregate classification (germline): Uncertain significance (1 of 4 stars; one submission).

Submission:

CeGaT Center for Human Genetics Tuebingen
Classification: Uncertain significance. Last evaluated: 2026-09-01. Review status: criteria provided, single submitter. Criteria: CeGaT Center For Human Genetics Tuebingen Variant Classification Criteria Version 2. Collection method: clinical testing. Allele origin: germline. Affected: yes. Observed: 1 variant allele.
Comment: GLRA2: PM2:Supporting, BP4

NM_002063.4(GLRA2):c.36G>A (p.Leu12=)

Gene: GLRA2 (glycine receptor alpha 2; plus strand). Cytogenetic location: Xp22.2.
Variant type: single nucleotide variant.
Coding change: c.36G>A on transcript NM_002063.4 (MANE Select); coding-DNA position 36, G replaced by A.
Protein change: p.Leu12=; no amino-acid change (leucine 12 retained).
Molecular consequence: synonymous variant. On other transcripts: 5 prime UTR variant (1).
Genome position (GRCh38, 1-based): chrX:14,530,093, G>A. VCF-style: chrX-14530093-G-A. GRCh37 (hg19) VCF-style: chrX-14548215-G-A.
Other names: c.36G>A, p.Leu12= (NM_001118885.2, NM_001118886.2); c.-399G>A (NM_001171942.2).
Identifiers: ClinVar variation 5040747 (VCV005040747.1).